The following is an entry in ClinVar:

NM_004937.3(CTNS):c.665A>G (p.Gln222Arg)

Genes: CTNS (cystinosin, lysosomal cystine transporter; plus strand), CTNS-AS1 (CTNS antisense RNA 1; minus strand). Cytogenetic location: 17p13.2.
Variant type: single nucleotide variant.
Coding change: c.665A>G on transcript NM_004937.3 (MANE Select); coding-DNA position 665, A replaced by G.
Protein change: p.Gln222Arg; replaces glutamine 222 with arginine.
Molecular consequence: missense variant.
Genome position (GRCh38, 1-based): chr17:3,656,779, A>G. VCF-style: chr17-3656779-A-G. GRCh37 (hg19) VCF-style: chr17-3560073-A-G.
Other names: c.665A>G, p.Gln222Arg (NM_001031681.3, NM_001374492.1); c.224A>G, p.Gln75Arg (NM_001374493.1, NM_001374494.1, NM_001374495.1 and 1 more transcripts); short protein forms Q222R, Q75R.
Identifiers: ClinVar variation 2576715 (VCV002576715.2), dbSNP rs1327959008, ClinGen allele CA397691811.

ClinVar aggregate classification (germline): Likely pathogenic. Review status: criteria provided, multiple submitters, no conflicts (2 of 4 stars). 2 submissions from 2 submitters: Likely pathogenic (2). Last evaluated 2026-02-26.

Conditions:
Nephropathic cystinosis (CTNS). Also called: CYSTINOSIN, DEFECT OF; LYSOSOMAL CYSTINE TRANSPORT PROTEIN, DEFECT OF; Abderhalden Lignac Kaufmann disease; Abderhalden-Kaufmann-Lignac syndrome. Identifiers: Orphanet 213, Orphanet 411629, MedGen C2931187, MONDO:0100151, OMIM 219800.

Allele frequency attached by ClinVar (database versions not stated): gnomAD exomes below 0.00001.
gnomAD v4.1: 5 of 1,613,228 alleles (0.00031%); highest among the groups gnomAD compares: Non-Finnish European, 0.00042%; no homozygotes.

Submissions (2):

Women's Health and Genetics/Laboratory Corporation of America, LabCorp
Classification: Likely pathogenic for Nephropathic cystinosis. Last evaluated: 2026-02-26. Review status: criteria provided, single submitter. Criteria: LabCorp Variant Classification Summary - May 2015. Collection method: clinical testing. Allele origin: germline.
Comment: Variant summary: CTNS c.665A>G (p.Gln222Arg) results in a conservative amino acid change in the encoded protein sequence. Algorithms developed to predict the effect of missense changes on protein structure and function are either unavailable or do not agree on the potential impact of this missense change. The variant allele was found at a frequency of 4e-06 in 250894 control chromosomes. c.665A>G has been observed in at-least one individual affected with cystinosis (Kalatzis_2002). At least one publication reports experimental evidence evaluating an impact on protein function. The most pronounced variant effect results in about 4% of normal activity in Sf9 cells (Kalatzis_2004). The following publications have been ascertained in the context of this evaluation (PMID: 15128704, 12442267). ClinVar contains an entry for this variant (Variation ID: 2576715). Based on the evidence outlined above, the variant was classified as likely pathogenic.

GeneDx
Classification: Likely pathogenic. Last evaluated: 2023-02-17. Review status: criteria provided, single submitter. Criteria: GeneDx Variant Classification Process June 2021. Collection method: clinical testing. Allele origin: germline. Affected: yes.
Comment: In silico analysis supports that this missense variant has a deleterious effect on protein structure/function; Not observed at significant frequency in large population cohorts (gnomAD); Published functional studies demonstrate a damaging effect on protein expression and function (Kalatzis et al., 2004); This variant is associated with the following publications: (PMID: 15128704, 30957593, 18752449, 34237326, 12442267)

Literature cited by the submitters: PubMed 12442267 (cited by Women's Health and Genetics/Laboratory Corporation of America, LabCorp); PubMed 15128704 (cited by Women's Health and Genetics/Laboratory Corporation of America, LabCorp).